The following is an entry in ClinVar:

NM_000059.4(BRCA2):c.7805+1G>A

Gene: BRCA2 (BRCA2 DNA repair associated; plus strand). Cytogenetic location: 13q13.1.
Variant type: single nucleotide variant.
Coding change: c.7805+1G>A on transcript NM_000059.4 (MANE Select); the canonical splice donor site of the intron after coding-DNA position 7805, G replaced by A.
Molecular consequence: splice donor variant.
Genome position (GRCh38, 1-based): chr13:32,357,930, G>A. VCF-style: chr13-32357930-G-A. GRCh37 (hg19) VCF-style: chr13-32932067-G-A.
Other names: IVS16+1G>A; c.7709+1G>A (NM_001406719.1); c.2873+1G>A (NM_001406721.1); c.1388+1G>A (NM_001406722.1); c.7805+1G>A (NM_001406720.1).
Identifiers: ClinVar variation 52410 (VCV000052410.29), dbSNP rs81002809, ClinGen allele CA025280.

ClinVar aggregate classification (germline): Pathogenic. Review status: criteria provided, multiple submitters, no conflicts (2 of 4 stars). 9 submissions from 9 submitters: Pathogenic (7). 2 of the submissions do not count toward it. Last evaluated 2026-09-03.

Conditions:
Hereditary cancer-predisposing syndrome. Also called: Neoplastic Syndromes, Hereditary; Hereditary neoplastic syndrome; Hereditary Cancer Syndrome; Tumor predisposition. Identifiers: Orphanet 140162, MedGen C0027672, MeSH D009386, MONDO:0015356.
Hereditary breast ovarian cancer syndrome. Also called: BRCA1- and BRCA2-Associated Hereditary Breast and Ovarian Cancer; Hereditary breast and ovarian cancer syndrome (HBOC); Hereditary breast and ovarian cancer syndrome; Hereditary breast and/or ovarian cancer syndrome; Breast and ovarian cancer; Hereditary breast and ovarian cancer. Identifiers: Orphanet 145, MedGen C0677776, MeSH D061325, MONDO:0003582. Disease mechanism: loss of function.
Breast-ovarian cancer, familial, susceptibility to, 2 (BROVCA2). Also called: BRCA2 Hereditary Breast and Ovarian Cancer. Identifiers: Orphanet 145, MedGen C2675520, MONDO:0012933, OMIM 612555. Disease mechanism: loss of function.
Familial cancer of breast. Also called: hereditary breast carcinoma; Hereditary breast cancer; BREAST CANCER, FAMILIAL. Identifiers: Orphanet 227535, MedGen C0346153, MONDO:0016419, OMIM 114480. Disease mechanism: loss of function.

Allele frequency attached by ClinVar (database versions not stated): gnomAD exomes below 0.00001; ExAC 0.00001; TOPMed 0.00001.
gnomAD v4.1: 2 of 1,612,702 alleles (0.00012%); highest among the groups gnomAD compares: Non-Finnish European, 0.00017%; no homozygotes.

Submissions (10):

Ambry Genetics
Classification: Pathogenic for Hereditary cancer-predisposing syndrome. Last evaluated: 2026-09-03. Review status: criteria provided, single submitter. Criteria: Ambry Variant Classification Scheme 2023. Collection method: clinical testing. Allele origin: germline.
Comment: The c.7805+1G>A intronic pathogenic mutation results from a G to A substitution one nucleotide after coding exon 15 of the BRCA2 gene. Two saturation genome editing-based studies, including a haploid cell-survival assay and a humanized mouse embryonic stem cell line assay of drug response and survival, demonstrate that this nucleotide substitution is non-functional (Huang H et al. Nature. 2025 Feb;638(8050):528-537; Sahu S et al. Nature. 2025 Feb;638(8050):538-545). RNA studies have demonstrated that this variant results in abnormal splicing in the set of samples tested (Ambry internal data; Fraile-Bethencourt E et al. Front Genet. 2018 May;9:188). Based on the supporting evidence, this variant is interpreted as a disease-causing mutation.

Labcorp Genetics (formerly Invitae), Labcorp
Classification: Pathogenic for Hereditary breast ovarian cancer syndrome. Last evaluated: 2025-02-18. Review status: criteria provided, single submitter. Criteria: Invitae Variant Classification Sherloc (09022015). Collection method: clinical testing. Allele origin: germline.
Comment: This sequence change affects a donor splice site in intron 16 of the BRCA2 gene. It is expected to disrupt RNA splicing. Variants that disrupt the donor or acceptor splice site typically lead to a loss of protein function (PMID: 16199547), and loss-of-function variants in BRCA2 are known to be pathogenic (PMID: 20104584). This variant is present in population databases (rs81002809, gnomAD 0.0009%). Disruption of this splice site has been observed in individual(s) with pancreatic cancer and/or ovarian cancer (PMID: 28767289, 30078507). ClinVar contains an entry for this variant (Variation ID: 52410). Studies have shown that disruption of this splice site alters mRNA splicing and is expected to lead to the loss of protein expression (PMID: 29881398). For these reasons, this variant has been classified as Pathogenic.

All of Us Research Program, National Institutes of Health
Classification: Pathogenic for Breast-ovarian cancer, familial, susceptibility to, 2. Last evaluated: 2023-12-15. Review status: criteria provided, single submitter. Criteria: ACMG Guidelines, 2015. Collection method: clinical testing. Allele origin: germline. Inheritance: Autosomal dominant inheritance. Observed: 1 variant allele, 1 heterozygote.
Comment: This variant disrupts a canonical splice site and is predicted to result in abnormal splicing. Aberrant splicing and/or loss of function is an established mechanism of disease. This prediction has been confirmed by an RNA splicing study (PMID: 29881398).This variant has been reported in multiple individuals with hereditary breast and ovarian cancer syndrome (PMID: 23593081, 30078507, 31825140, 29446198). This variant is present in 1/251220 total alleles in the Genome Aggregation Database.

This study involves interpretation of variants in research participants for the purpose of population health screening. Participant phenotype was not available at the time of variant classification. Additional details can be found in publication PMID: 35346344, PMCID: PMC8962531

Baylor Genetics
Classification: Pathogenic for Familial cancer of breast. Last evaluated: 2023-04-03. Review status: criteria provided, single submitter. Criteria: ACMG Guidelines, 2015. Collection method: clinical testing. Allele origin: unknown.

Color Diagnostics, LLC DBA Color Health
Classification: Pathogenic for Hereditary cancer-predisposing syndrome. Last evaluated: 2022-03-09. Review status: criteria provided, single submitter. Criteria: ACMG Guidelines, 2015. Collection method: clinical testing. Allele origin: germline.
Comment: This variant causes a G to A nucleotide substitution at the +1 position of intron 16 of the BRCA2 gene. RNA studies have shown that this variant causes out-of-frame skipping of exon 16, predicted to result in a frameshift and premature translation stop signal (PMID: 29881398). This variant has been reported in individuals affected with pancreatic cancer, early-onset breast cancer (PMID: 23593081, 28767289) and has been identified in 2 families among the CIMBA participants (PMID: 29446198). This variant has been identified in 1/251220 chromosomes in the general population by the Genome Aggregation Database (gnomAD). Loss of BRCA2 function is a known mechanism of disease. Based on the available evidence, this variant is classified as Pathogenic.

GeneKor MSA
Classification: Pathogenic for Hereditary breast and ovarian cancer syndrome. Last evaluated: 2020-01-01. Review status: criteria provided, single submitter. Criteria: ACMG Guidelines, 2015. Collection method: clinical testing. Allele origin: germline. Affected: yes.
Comment: This variant is a substitution of the first nucleotide base of intron 16 of BRCA2 gene and is expected to disrupt RNA splicing and likely results in an absent or disrupted protein product.

Consortium of Investigators of Modifiers of BRCA1/2 (CIMBA), c/o University of Cambridge
Classification: Pathogenic for Breast-ovarian cancer, familial, susceptibility to, 2. Last evaluated: 2015-10-02. Review status: criteria provided, single submitter. Criteria: CIMBA Mutation Classification guidelines May 2016. Collection method: clinical testing. Allele origin: germline.

Sharing Clinical Reports Project (SCRP)
Classification: Pathogenic for Breast-ovarian cancer, familial 2. Last evaluated: 2008-02-13. Review status: no assertion criteria provided. Collection method: clinical testing. Allele origin: germline. Not counted in ClinVar's aggregate classification.

Breast Cancer Information Core (BIC) (BRCA2)
Classification: Pathogenic for Breast-ovarian cancer, familial 2. Last evaluated: 2003-12-23. Review status: no assertion criteria provided. Collection method: clinical testing. Allele origin: germline. Affected: yes. Observed: 2 variant alleles. Not counted in ClinVar's aggregate classification.

Dr. Peter K. Rogan Lab, Western University
No classification provided (evidence only). Condition: Familial cancer of breast. Review status: no classification provided. Collection method: in vitro. Allele origin: not applicable. Functional consequence: retained intron. Not counted in ClinVar's aggregate classification.

Literature cited by the submitters: PubMed 28767289 (cited by 3 submitters); PubMed 29881398 (cited by 4 submitters); PubMed 16199547 (cited by Labcorp Genetics (formerly Invitae), Labcorp); PubMed 20104584 (cited by Labcorp Genetics (formerly Invitae), Labcorp); PubMed 30078507 (cited by Labcorp Genetics (formerly Invitae), Labcorp and All of Us Research Program, National Institutes of Health); PubMed 23593081 (cited by All of Us Research Program, National Institutes of Health and Color Diagnostics, LLC DBA Color Health); PubMed 29446198 (cited by All of Us Research Program, National Institutes of Health and Color Diagnostics, LLC DBA Color Health); PubMed 31825140 (cited by All of Us Research Program, National Institutes of Health).